The following is an entry in ClinVar:

ClinVar aggregate classification (germline): Likely benign. Review status: criteria provided, multiple submitters, no conflicts (2 of 4 stars). 4 submissions from 4 submitters: Likely benign (3). 1 of the submissions does not count toward it. Last evaluated 2026-05-01.

Conditions:
HIVEP2-related disorder. Also called: HIVEP2-related condition.

Allele frequency attached by ClinVar (database versions not stated): gnomAD 0.00010; TOPMed 0.00023; 1000 Genomes Project 30x 0.00031; 1000 Genomes Project 0.00040; ESP Exome Variant Server 0.00042.
gnomAD v4.1: 603 of 1,614,170 alleles (0.037%); highest among the groups gnomAD compares: Non-Finnish European, 0.047%; 2 homozygotes.

Submissions (4):

CeGaT Center for Human Genetics Tuebingen
Classification: Likely benign. Last evaluated: 2026-05-01. Review status: criteria provided, single submitter. Criteria: CeGaT Center For Human Genetics Tuebingen Variant Classification Criteria Version 2. Collection method: clinical testing. Allele origin: germline. Affected: yes. Observed: 2 variant alleles.
Comment: HIVEP2: BP4, BP7

Labcorp Genetics (formerly Invitae), Labcorp
Classification: Likely benign. Last evaluated: 2026-02-03. Review status: criteria provided, single submitter. Criteria: Invitae Variant Classification Sherloc (09022015). Collection method: clinical testing. Allele origin: germline.

Blueprint Genetics
Classification: Likely benign. Last evaluated: 2024-10-09. Review status: criteria provided, single submitter. Criteria: ACMG Guidelines, 2015. Collection method: clinical testing. Allele origin: germline.

PreventionGenetics, part of Exact Sciences
Classification: Likely benign for HIVEP2-related condition. Last evaluated: 2022-07-26. Review status: no assertion criteria provided. Collection method: clinical testing. Allele origin: germline. Not counted in ClinVar's aggregate classification.
Comment: This variant is classified as likely benign based on ACMG/AMP sequence variant interpretation guidelines (Richards et al. 2015 PMID: 25741868, with internal and published modifications).

NM_006734.4(HIVEP2):c.1170G>A (p.Pro390=)

Gene: HIVEP2 (HIVEP zinc finger 2; minus strand). Cytogenetic location: 6q24.2.
Variant type: single nucleotide variant.
Coding change: c.1170G>A on transcript NM_006734.4 (MANE Select); coding-DNA position 1170, G replaced by A.
Protein change: p.Pro390=; no amino-acid change (proline 390 retained).
Molecular consequence: synonymous variant.
Genome position (GRCh38, 1-based): chr6:142,773,569, C>T on the plus strand (G>A on the coding strand, the complement: HIVEP2 is on the minus strand). VCF-style: chr6-142773569-C-T. GRCh37 (hg19) VCF-style: chr6-143094706-C-T.
Identifiers: ClinVar variation 720867 (VCV000720867.25), dbSNP rs201805399, ClinGen allele CA4028638.
Genomic context (GRCh38, chr6:142,773,569, plus strand): 5'-TTGCTGCTCAGCACTTTCTGAGCGAGAAAAGTAACCAGAATCAGTGCTTCCTTTACTGTG[C>T]GGGCTCAGAAGGTTGAGCGATGGCTCAGAATCTTGTCCTTTTTTCTCTGACAGTCTTAGT-3'
Protein context (NP_006725.3, residues 380-400): DSEPSLNLLS[Pro390=]HSKGSTDSGY